The following is an entry in ClinVar:

ClinVar aggregate classification (germline): Uncertain significance (1 of 4 stars; one submission).

Conditions:
Combined immunodeficiency due to LRBA deficiency. Also called: Common variable immunodeficiency 8, with autoimmunity. Identifiers: Orphanet 445018, MedGen C3553512, MONDO:0013863, OMIM 614700.

Submission:

Labcorp Genetics (formerly Invitae), Labcorp
Classification: Uncertain significance for Combined immunodeficiency due to LRBA deficiency. Last evaluated: 2019-07-08. Review status: criteria provided, single submitter. Criteria: Invitae Variant Classification Sherloc (09022015). Collection method: clinical testing. Allele origin: germline.
Comment: In summary, the available evidence is currently insufficient to determine the role of this variant in disease. Therefore, it has been classified as a Variant of Uncertain Significance. Algorithms developed to predict the effect of missense changes on protein structure and function (SIFT, PolyPhen-2, Align-GVGD) all suggest that this variant is likely to be tolerated, but these predictions have not been confirmed by published functional studies and their clinical significance is uncertain. This variant has not been reported in the literature in individuals with LRBA-related conditions. This variant is not present in population databases (ExAC no frequency). This sequence change replaces valine with isoleucine at codon 672 of the LRBA protein (p.Val672Ile). The valine residue is weakly conserved and there is a small physicochemical difference between valine and isoleucine.

NM_001364905.1(LRBA):c.2014G>A (p.Val672Ile)

Gene: LRBA (LPS responsive beige-like anchor protein; minus strand). Cytogenetic location: 4q31.3.
Variant type: single nucleotide variant.
Coding change: c.2014G>A on transcript NM_001364905.1 (MANE Select); coding-DNA position 2014, G replaced by A.
Protein change: p.Val672Ile; replaces valine 672 with isoleucine.
Molecular consequence: missense variant.
Genome position (GRCh38, 1-based): chr4:150,896,447, C>T on the plus strand (G>A on the coding strand, the complement: LRBA is on the minus strand). VCF-style: chr4-150896447-C-T. GRCh37 (hg19) VCF-style: chr4-151817599-C-T.
Other names: c.2014G>A, p.Val672Ile (NM_001199282.3, NM_001367550.1, NM_006726.5); short protein forms V672I.
Identifiers: ClinVar variation 938004 (VCV000938004.9), dbSNP rs1730095086, ClinGen allele CA358429150.